The following is an entry in ClinVar:

ClinVar aggregate classification (germline): Likely benign (1 of 4 stars; one submission).

Allele frequency attached by ClinVar (database versions not stated): gnomAD exomes below 0.00001.

Submission:

GeneDx
Classification: Likely benign. Last evaluated: 2017-02-28. Review status: criteria provided, single submitter. Criteria: GeneDx Variant Classification (06012015). Collection method: clinical testing. Allele origin: germline. Affected: yes.
Comment: This variant is considered likely benign or benign based on one or more of the following criteria: it is a conservative change, it occurs at a poorly conserved position in the protein, it is predicted to be benign by multiple in silico algorithms, and/or has population frequency not consistent with disease.

NM_000159.4(GCDH):c.712C>T (p.Leu238=)

Gene: GCDH (glutaryl-CoA dehydrogenase; plus strand). Cytogenetic location: 19p13.13.
Variant type: single nucleotide variant.
Coding change: c.712C>T on transcript NM_000159.4 (MANE Select); coding-DNA position 712, C replaced by T.
Protein change: p.Leu238=; no amino-acid change (leucine 238 retained).
Molecular consequence: synonymous variant. On other transcripts: non-coding transcript variant (2).
Genome position (GRCh38, 1-based): chr19:12,896,281, C>T. VCF-style: chr19-12896281-C-T. GRCh37 (hg19) VCF-style: chr19-13007095-C-T.
Other names: c.712C>T, p.Leu238= (NM_013976.5).
Identifiers: ClinVar variation 507535 (VCV000507535.1), dbSNP rs1555750571, ClinGen allele CA505778955.